The following is an entry in ClinVar:

NM_006245.4(PPP2R5D):c.670C>T (p.Pro224Ser)

Gene: PPP2R5D (protein phosphatase 2 regulatory subunit B'delta; plus strand). Cytogenetic location: 6p21.1.
Variant type: single nucleotide variant.
Coding change: c.670C>T on transcript NM_006245.4 (MANE Select); coding-DNA position 670, C replaced by T.
Protein change: p.Pro224Ser; replaces proline 224 with serine.
Molecular consequence: missense variant.
Genome position (GRCh38, 1-based): chr6:43,007,450, C>T. VCF-style: chr6-43007450-C-T. GRCh37 (hg19) VCF-style: chr6-42975188-C-T.
Other names: c.670C>T (NM_006245.2); c.217C>T, p.Pro73Ser (NM_001270476.2); c.574C>T, p.Pro192Ser (NM_180976.3); c.352C>T, p.Pro118Ser (NM_180977.3); short protein forms P192S, P118S, P73S, P224S.
Identifiers: ClinVar variation 1381316 (VCV001381316.7), dbSNP rs771015575, ClinGen allele CA138249696.
Genomic context (GRCh38, chr6:43,007,450, plus strand): 5'-AGTGGCGTGCCTTTTCCCCTATAGCTCGTGTATGAGTTCTTCTTACGTTTCCTTGAGTCT[C>T]CTGATTTCCAGCCAAACATAGCCAAGAAGTACATCGACCAGAAGTTTGTACTTGCTGTGA-3'
Protein context (NP_006236.1, residues 214-234): YEFFLRFLES[Pro224Ser]DFQPNIAKKY

ClinVar aggregate classification (germline): Uncertain significance. Review status: criteria provided, multiple submitters, no conflicts (2 of 4 stars). 2 submissions from 2 submitters: Uncertain significance (2). Last evaluated 2025-03-31.

Conditions:
Inborn genetic diseases. Identifiers: MedGen C0950123, MeSH D030342.

Allele frequency attached by ClinVar (database versions not stated): TOPMed below 0.00001; gnomAD exomes 0.00003 and below 0.00001; gnomAD 0.00001.

Submissions (2):

Labcorp Genetics (formerly Invitae), Labcorp
Classification: Uncertain significance. Last evaluated: 2025-03-31. Review status: criteria provided, single submitter. Criteria: Invitae Variant Classification Sherloc (09022015). Collection method: clinical testing. Allele origin: germline.
Comment: This sequence change replaces proline, which is neutral and non-polar, with serine, which is neutral and polar, at codon 224 of the PPP2R5D protein (p.Pro224Ser). This variant is present in population databases (rs771015575, gnomAD 0.002%). This variant has not been reported in the literature in individuals affected with PPP2R5D-related conditions. ClinVar contains an entry for this variant (Variation ID: 1381316). An algorithm developed to predict the effect of missense changes on protein structure and function (PolyPhen-2) suggests that this variant is likely to be tolerated. In summary, the available evidence is currently insufficient to determine the role of this variant in disease. Therefore, it has been classified as a Variant of Uncertain Significance.

Ambry Genetics
Classification: Uncertain significance for Inborn genetic diseases. Last evaluated: 2025-02-06. Review status: criteria provided, single submitter. Criteria: Ambry Variant Classification Scheme 2023. Collection method: clinical testing. Allele origin: germline.